The following is an entry in ClinVar:

NM_000038.6(APC):c.5971G>C (p.Glu1991Gln)

Gene: APC (APC regulator of Wnt signaling pathway; plus strand). Cytogenetic location: 5q22.2.
Variant type: single nucleotide variant.
Coding change: c.5971G>C on transcript NM_000038.6 (MANE Select); coding-DNA position 5971, G replaced by C.
Protein change: p.Glu1991Gln; replaces glutamic acid 1991 with glutamine.
Molecular consequence: missense variant.
Genome position (GRCh38, 1-based): chr5:112,841,565, G>C. VCF-style: chr5-112841565-G-C. GRCh37 (hg19) VCF-style: chr5-112177262-G-C.
Other names: c.5971G>C, p.Glu1991Gln (NM_001127510.3, NM_001354895.2); c.5917G>C, p.Glu1973Gln (NM_001127511.3); c.6025G>C, p.Glu2009Gln (NM_001354896.2); c.6001G>C, p.Glu2001Gln (NM_001354897.2); c.5896G>C, p.Glu1966Gln (NM_001354898.2); c.5887G>C, p.Glu1963Gln (NM_001354899.2); c.5848G>C, p.Glu1950Gln (NM_001354900.2); c.5794G>C, p.Glu1932Gln (NM_001354901.2); and 5 more; short protein forms E1973Q, E1991Q, E1831Q, E1900Q, E1932Q, E2001Q, E1950Q, E1963Q.
Identifiers: ClinVar variation 421807 (VCV000421807.14), dbSNP rs780665640, ClinGen allele CA043542.

ClinVar aggregate classification (germline): Uncertain significance. Review status: criteria provided, multiple submitters, no conflicts (2 of 4 stars). 3 submissions from 3 submitters: Uncertain significance (3). Last evaluated 2026-04-22.

Conditions:
Hereditary cancer-predisposing syndrome. Also called: Hereditary Cancer Syndrome; Tumor predisposition; Hereditary neoplastic syndrome; Neoplastic Syndromes, Hereditary. Identifiers: Orphanet 140162, MedGen C0027672, MeSH D009386, MONDO:0015356.
Familial adenomatous polyposis 1 (FAP1). Also called: FAMILIAL ADENOMATOUS POLYPOSIS 1, ATTENUATED; POLYPOSIS, ADENOMATOUS INTESTINAL. Identifiers: MedGen C2713442, MONDO:0021056, OMIM 175100. Disease mechanism: loss of function.

Allele frequency attached by ClinVar (database versions not stated): gnomAD exomes below 0.00001; ExAC 0.00001.
gnomAD v4.1: 1 of 1,613,978 alleles (0.000062%); highest among the groups gnomAD compares: Non-Finnish European, 0.000085%; no homozygotes.

Submissions (3):

Ambry Genetics
Classification: Uncertain significance for Hereditary cancer-predisposing syndrome. Last evaluated: 2026-04-22. Review status: criteria provided, single submitter. Criteria: Ambry Variant Classification Scheme 2023. Collection method: clinical testing. Allele origin: germline.
Comment: The p.E1991Q variant (also known as c.5971G>C), located in coding exon 15 of the APC gene, results from a G to C substitution at nucleotide position 5971. The glutamic acid at codon 1991 is replaced by glutamine, an amino acid with highly similar properties. This amino acid position is conserved. In addition, in silico predictors for this gene do not accurately predict pathogenicity. Based on the available evidence, the clinical significance of this variant remains unclear.

Labcorp Genetics (formerly Invitae), Labcorp
Classification: Uncertain significance for Familial adenomatous polyposis 1. Last evaluated: 2022-03-23. Review status: criteria provided, single submitter. Criteria: Invitae Variant Classification Sherloc (09022015). Collection method: clinical testing. Allele origin: germline.
Comment: In summary, the available evidence is currently insufficient to determine the role of this variant in disease. Therefore, it has been classified as a Variant of Uncertain Significance. Algorithms developed to predict the effect of missense changes on protein structure and function (SIFT, PolyPhen-2, Align-GVGD) all suggest that this variant is likely to be tolerated. ClinVar contains an entry for this variant (Variation ID: 421807). This variant has not been reported in the literature in individuals affected with APC-related conditions. This variant is present in population databases (rs780665640, gnomAD 0.0009%). This sequence change replaces glutamic acid, which is acidic and polar, with glutamine, which is neutral and polar, at codon 1991 of the APC protein (p.Glu1991Gln).

GeneDx
Classification: Uncertain significance. Last evaluated: 2016-07-27. Review status: criteria provided, single submitter. Criteria: GeneDx Variant Classification (06012015). Collection method: clinical testing. Allele origin: germline. Affected: yes.
Comment: This variant is denoted APC c.5971G>C at the cDNA level, p.Glu1991Gln (E1991Q) at the protein level, and results in the change of a Glutamic Acid to a Glutamine (GAG>CAG). This variant has not, to our knowledge, been published in the literature as pathogenic or benign. APC Glu1991Gln was not observed in approximately 6,500 individuals of European and African American ancestry in the NHLBI Exome Sequencing Project, suggesting it is not a common benign variant in these populations. Since Glutamic Acid and Glutamine differ in some properties, this is considered a semi-conservative amino acid substitution. APC Glu1991Gln occurs at a position that is not conserved and is located in the 20-amino acid repeat B-catenin down regulating domain as well as the SAMP repeats and Axin binding domain (Azzopardi 2008). In silico analyses are inconsistent regarding the effect this variant may have on protein structure and function. Based on currently available evidence, it is unclear whether APC Glu1991Gln is a pathogenic or benign variant. We consider it to be a variant of uncertain significance.